The following is an entry in ClinVar:

ClinVar aggregate classification (germline): Likely benign. Review status: criteria provided, multiple submitters, no conflicts (2 of 4 stars). 2 submissions from 2 submitters: Likely benign (2). Last evaluated 2025-09-26.

Conditions:
Left ventricular noncompaction 1 (LVNC1). Also called: LEFT VENTRICULAR NONCOMPACTION 1 WITH OR WITHOUT CONGENITAL HEART DEFECTS. Identifiers: Orphanet 54260, MedGen C1858725, MONDO:0011403, OMIM 604169.

Allele frequency attached by ClinVar (database versions not stated): gnomAD 0.00001; gnomAD exomes 0.00001; TOPMed 0.00003.
gnomAD v4.1: 19 of 1,612,548 alleles (0.0012%); highest among the groups gnomAD compares: Admixed American, 0.0017%; no homozygotes.

Submissions (2):

Labcorp Genetics (formerly Invitae), Labcorp
Classification: Likely benign for Left ventricular noncompaction 1. Last evaluated: 2025-09-26. Review status: criteria provided, single submitter. Criteria: Invitae Variant Classification Sherloc (09022015). Collection method: clinical testing. Allele origin: germline.

GeneDx
Classification: Likely benign. Last evaluated: 2017-04-04. Review status: criteria provided, single submitter. Criteria: GeneDx Variant Classification (06012015). Collection method: clinical testing. Allele origin: germline. Affected: yes.
Comment: This variant is considered likely benign or benign based on one or more of the following criteria: it is a conservative change, it occurs at a poorly conserved position in the protein, it is predicted to be benign by multiple in silico algorithms, and/or has population frequency not consistent with disease.

NM_001386795.1(DTNA):c.876+16G>A

Gene: DTNA (dystrobrevin alpha; plus strand). Cytogenetic location: 18q12.1.
Variant type: single nucleotide variant.
Coding change: c.876+16G>A on transcript NM_001386795.1 (MANE Select); 16 bases into the intron after coding-DNA position 876, G replaced by A.
Molecular consequence: intron variant. On other transcripts: 5 prime UTR variant (2).
Genome position (GRCh38, 1-based): chr18:34,818,346, G>A. VCF-style: chr18-34818346-G-A. GRCh37 (hg19) VCF-style: chr18-32398310-G-A.
Other names: c.-380G>A (NM_001198942.1, NM_001198944.1); c.876+16G>A (NM_032975.4, NM_001386761.1, NM_001386762.1 and 34 more transcripts); c.603+6233G>A (NM_001198945.2); c.126+16G>A (NM_001198943.1).
Identifiers: ClinVar variation 508642 (VCV000508642.5), dbSNP rs913518501, ClinGen allele CA297761177.